The following is an entry in ClinVar:

NM_000135.4(FANCA):c.763A>G (p.Arg255Gly)

Gene: FANCA (FA complementation group A; minus strand). Cytogenetic location: 16q24.3.
Variant type: single nucleotide variant.
Coding change: c.763A>G on transcript NM_000135.4 (MANE Select); coding-DNA position 763, A replaced by G.
Protein change: p.Arg255Gly; replaces arginine 255 with glycine.
Molecular consequence: missense variant.
Genome position (GRCh38, 1-based): chr16:89,803,288, T>C on the plus strand (A>G on the coding strand, the complement: FANCA is on the minus strand). VCF-style: chr16-89803288-T-C. GRCh37 (hg19) VCF-style: chr16-89869696-T-C.
Other names: c.763A>G, p.Arg255Gly (NM_001018112.3, NM_001286167.3); c.667A>G, p.Arg223Gly (NM_001351830.2); short protein forms R223G, R255G.
Identifiers: ClinVar variation 4022375 (VCV004022375.1).

ClinVar aggregate classification (germline): Uncertain significance (1 of 4 stars; one submission).

Conditions:
Inborn genetic diseases. Identifiers: MedGen C0950123, MeSH D030342.

gnomAD v4.1: 2 of 1,614,194 alleles (0.00012%); highest among the groups gnomAD compares: Non-Finnish European, 0.00017%; no homozygotes.

Submission:

Ambry Genetics
Classification: Uncertain significance for Inborn genetic diseases. Last evaluated: 2025-06-13. Review status: criteria provided, single submitter. Criteria: Ambry Variant Classification Scheme 2023. Collection method: clinical testing. Allele origin: germline.
Comment: The p.R255G variant (also known as c.763A>G), located in coding exon 8 of the FANCA gene, results from an A to G substitution at nucleotide position 763. The arginine at codon 255 is replaced by glycine, an amino acid with dissimilar properties. This amino acid position is conserved. In addition, this alteration is predicted to be tolerated by in silico analysis. Based on the available evidence, the clinical significance of this variant remains unclear.